The following is an entry in ClinVar:

NM_004273.5(CHST3):c.1342A>G (p.Met448Val)

Gene: CHST3 (carbohydrate sulfotransferase 3; plus strand). Cytogenetic location: 10q22.1.
Variant type: single nucleotide variant.
Coding change: c.1342A>G on transcript NM_004273.5 (MANE Select); coding-DNA position 1342, A replaced by G.
Protein change: p.Met448Val; replaces methionine 448 with valine.
Molecular consequence: missense variant.
Genome position (GRCh38, 1-based): chr10:72,008,373, A>G. VCF-style: chr10-72008373-A-G. GRCh37 (hg19) VCF-style: chr10-73768131-A-G.
Other names: c.1342A>G, p.Met448Val (NM_001441201.1, NM_001441202.1); short protein forms M448V.
Identifiers: ClinVar variation 4854185 (VCV004854185.1).
Genomic context (GRCh38, chr10:72,008,373, plus strand): 5'-TGGCGCTTCAGCATGCCCTTCAAGCTGGCCCAGGTGGTGCAGGCCGCCTGCGGCCCTGCC[A>G]TGCGCCTCTTCGGCTACAAACTGGCGCGGGACGCCGCCGCCCTCACCAACCGCTCAGTCA-3'
Protein context (NP_004264.2, residues 438-458): QVVQAACGPA[Met448Val]RLFGYKLARD

ClinVar aggregate classification (germline): Uncertain significance (1 of 4 stars; one submission).

Conditions:
Spondyloepiphyseal dysplasia with congenital joint dislocations (SEDCJD). Also called: Chondrodysplasia with Congenital Joint Dislocations, CHST3-Related. Identifiers: Orphanet 263463, MedGen C1837657, MONDO:0007738, OMIM 143095.

Submission:

3billion
Classification: Uncertain significance for Spondyloepiphyseal dysplasia with congenital joint dislocations. Last evaluated: 2025-07-07. Review status: criteria provided, single submitter. Criteria: ACMG Guidelines, 2015. Collection method: clinical testing. Allele origin: germline. Affected: yes.
Comment: The variant is observed at an extremely low frequency in the gnomAD v4.1.0 dataset (total allele frequency: <0.001%). Predicted Consequence/Location: Missense variant In silico tool predictions suggest damaging effect of the variant on gene or gene product [REVEL: 0.83 (>=0.6, sensitivity 0.68 and specificity 0.92)]. Therefore, this variant is classified as VUS according to the recommendation of ACMG/AMP guideline.